The following is an entry in ClinVar:

NM_145698.5(ACBD5):c.490+141A>G

Gene: ACBD5 (acyl-CoA binding domain containing 5; minus strand). Cytogenetic location: 10p12.1.
Variant type: single nucleotide variant.
Coding change: c.490+141A>G on transcript NM_145698.5 (MANE Select); 141 bases into the intron after coding-DNA position 490, A replaced by G.
Molecular consequence: intron variant.
Genome position (GRCh38, 1-based): chr10:27,223,197, T>C on the plus strand (A>G on the coding strand, the complement: ACBD5 is on the minus strand). VCF-style: chr10-27223197-T-C. GRCh37 (hg19) VCF-style: chr10-27512126-T-C.
Other names: c.490+141A>G (NM_001352570.1, NM_001352588.1); c.163+141A>G (NM_001301253.2, NM_001301251.2, NM_001352583.1 and 3 more transcripts); c.385+141A>G (NM_001352580.2, NM_001352577.2, NM_001352582.2 and 3 more transcripts); c.418+10A>G (NM_001352575.2, NM_001352574.2, NM_001352576.2); c.196+10A>G (NM_001352585.1); c.511+141A>G (NM_001352572.1); c.544+10A>G (NM_001352568.1); c.523+10A>G (NM_001352573.1, NM_001352581.1, NM_001352569.1); and 2 more.
Identifiers: ClinVar variation 3053804 (VCV003053804.2), dbSNP rs527412181, ClinGen allele CA5450909.

ClinVar aggregate classification (germline): Likely benign (0 of 4 stars; one submission).

Conditions:
ACBD5-related disorder. Also called: ACBD5-related condition.

Allele frequency attached by ClinVar (database versions not stated): ExAC 0.00010; gnomAD 0.00011; TOPMed 0.00014; 1000 Genomes Project 0.00020; gnomAD exomes 0.00021; 1000 Genomes Project 30x 0.00031.
gnomAD v4.1: 136 of 740,862 alleles (0.018%); highest among the groups gnomAD compares: Non-Finnish European, 0.029%; 1 homozygote.

Submission:

PreventionGenetics, part of Exact Sciences
Classification: Likely benign for ACBD5-related condition. Last evaluated: 2019-08-19. Review status: no assertion criteria provided. Collection method: clinical testing. Allele origin: germline.
Comment: This variant is classified as likely benign based on ACMG/AMP sequence variant interpretation guidelines (Richards et al. 2015 PMID: 25741868, with internal and published modifications).